The following is an entry in ClinVar:

ClinVar aggregate classification (germline): Likely pathogenic (1 of 4 stars; one submission).

Conditions:
COL1A2-related disorder. Also called: COL1A2-related condition; COL1A2-Related Disorders.

Submission:

PreventionGenetics, part of Exact Sciences
Classification: Likely pathogenic for COL1A2-related condition. Last evaluated: 2026-03-30. Review status: criteria provided, single submitter. Criteria: ACMG Guidelines, 2015. Collection method: clinical testing. Allele origin: germline.
Comment: The COL1A2 c.325G>A variant is predicted to result in the amino acid substitution p.Gly109Ser. To our knowledge, this variant has not been reported in the literature or in a large population database, indicating this variant is rare. The p.Gly109Ser residue is located in the conserved Gly-Xaa-Yaa triple helical domain where substitutions of a glycine are usually pathogenic (Marini et al. 2007. PubMed ID: 17078022). At least one different variant affecting the same amino acid (p.Gly109Asp) was reported in an individual with osteogenesis imperfecta (Malfait et al. 2013. PubMed ID: 23692737). In summary, this variant is interpreted as likely pathogenic.

NM_000089.4(COL1A2):c.325G>A (p.Gly109Ser)

Gene: COL1A2 (collagen type I alpha 2 chain; plus strand). Cytogenetic location: 7q21.3.
Variant type: single nucleotide variant.
Coding change: c.325G>A on transcript NM_000089.4 (MANE Select); coding-DNA position 325, G replaced by A.
Protein change: p.Gly109Ser; replaces glycine 109 with serine.
Molecular consequence: missense variant.
Genome position (GRCh38, 1-based): chr7:94,404,693, G>A. VCF-style: chr7-94404693-G-A. GRCh37 (hg19) VCF-style: chr7-94034005-G-A.
Other names: short protein forms G109S.
Identifiers: ClinVar variation 3345514 (VCV003345514.2).
Genomic context (GRCh38, chr7:94,404,693, plus strand): 5'-TAAAAAGACAGAGAATTAAGAAATAAAGGCTTGGAGTATGACATTCTTTTTTTCTTTTAG[G>A]GCCCTCAAGGTTTCCAAGGACCTGCTGGTGAGCCTGGTGAACCTGGTCAAACTGTGAGTA-3'
Protein context (NP_000080.2, residues 99-119): RGPPGAAGAP[Gly109Ser]PQGFQGPAGE